The following is an entry in ClinVar:

NM_020928.2(ZSWIM6):c.1534C>T (p.Arg512Trp)

Gene: ZSWIM6 (zinc finger SWIM-type containing 6; plus strand). Cytogenetic location: 5q12.1.
Variant type: single nucleotide variant.
Coding change: c.1534C>T on transcript NM_020928.2 (MANE Select); coding-DNA position 1534, C replaced by T.
Protein change: p.Arg512Trp; replaces arginine 512 with tryptophan.
Molecular consequence: missense variant.
Genome position (GRCh38, 1-based): chr5:61,525,820, C>T. VCF-style: chr5-61525820-C-T. GRCh37 (hg19) VCF-style: chr5-60821647-C-T.
Other names: c.1534C>T (NM_020928.1); short protein forms R512W.
Identifiers: ClinVar variation 2895382 (VCV002895382.4), dbSNP rs1272205055, ClinGen allele CA359943270.

ClinVar aggregate classification (germline): Uncertain significance. Review status: criteria provided, multiple submitters, no conflicts (2 of 4 stars). 2 submissions from 2 submitters: Uncertain significance (2). Last evaluated 2025-10-01.

Conditions:
Inborn genetic diseases. Identifiers: MedGen C0950123, MeSH D030342.

Allele frequency attached by ClinVar (database versions not stated): gnomAD exomes 0.00001; gnomAD 0.00003; TOPMed 0.00002.
gnomAD v4.1: 13 of 1,551,618 alleles (0.00084%); highest among the groups gnomAD compares: Admixed American, 0.002%; no homozygotes.

Submissions (2):

Labcorp Genetics (formerly Invitae), Labcorp
Classification: Uncertain significance. Last evaluated: 2025-10-01. Review status: criteria provided, single submitter. Criteria: Invitae Variant Classification Sherloc (09022015). Collection method: clinical testing. Allele origin: germline.
Comment: This sequence change replaces arginine, which is basic and polar, with tryptophan, which is neutral and slightly polar, at codon 512 of the ZSWIM6 protein (p.Arg512Trp). This variant is not present in population databases (gnomAD no frequency). This variant has not been reported in the literature in individuals affected with ZSWIM6-related conditions. ClinVar contains an entry for this variant (Variation ID: 2895382). An algorithm developed to predict the effect of missense changes on protein structure and function (PolyPhen-2) suggests that this variant is likely to be disruptive. In summary, the available evidence is currently insufficient to determine the role of this variant in disease. Therefore, it has been classified as a Variant of Uncertain Significance.

Ambry Genetics
Classification: Uncertain significance for Inborn genetic diseases. Last evaluated: 2025-01-08. Review status: criteria provided, single submitter. Criteria: Ambry Variant Classification Scheme 2023. Collection method: clinical testing. Allele origin: germline.